The following is an entry in ClinVar:

ClinVar aggregate classification (germline): Uncertain significance (1 of 4 stars; one submission).

Submission:

Labcorp Genetics (formerly Invitae), Labcorp
Classification: Uncertain significance. Last evaluated: 2022-08-16. Review status: criteria provided, single submitter. Criteria: Invitae Variant Classification Sherloc (09022015). Collection method: clinical testing. Allele origin: germline.
Comment: In summary, the available evidence is currently insufficient to determine the role of this variant in disease. Therefore, it has been classified as a Variant of Uncertain Significance. Algorithms developed to predict the effect of missense changes on protein structure and function are either unavailable or do not agree on the potential impact of this missense change (SIFT: "Deleterious"; PolyPhen-2: "Not Available"; Align-GVGD: "Class C0"). ClinVar contains an entry for this variant (Variation ID: 1365227). This variant has not been reported in the literature in individuals affected with PCLO-related conditions. This variant is not present in population databases (gnomAD no frequency). This sequence change replaces serine, which is neutral and polar, with arginine, which is basic and polar, at codon 1752 of the PCLO protein (p.Ser1752Arg).

NM_033026.6(PCLO):c.5254A>C (p.Ser1752Arg)

Gene: PCLO (piccolo presynaptic cytomatrix protein; minus strand). Cytogenetic location: 7q21.11.
Variant type: single nucleotide variant.
Coding change: c.5254A>C on transcript NM_033026.6 (MANE Select); coding-DNA position 5254, A replaced by C.
Protein change: p.Ser1752Arg; replaces serine 1752 with arginine.
Molecular consequence: missense variant.
Genome position (GRCh38, 1-based): chr7:82,955,699, T>G on the plus strand (A>C on the coding strand, the complement: PCLO is on the minus strand). VCF-style: chr7-82955699-T-G. GRCh37 (hg19) VCF-style: chr7-82585015-T-G.
Other names: c.5254A>C, p.Ser1752Arg (NM_014510.3); short protein forms S1752R.
Identifiers: ClinVar variation 1365227 (VCV001365227.8), dbSNP rs2115567410, ClinGen allele CA367924729.